The following is an entry in ClinVar:

ClinVar aggregate classification (germline): Conflicting classifications of pathogenicity. Review status: criteria provided, conflicting classifications (1 of 4 stars). 7 submissions from 7 submitters: Uncertain significance (3); Likely benign (4). Last evaluated 2025-10-31.

Conditions:
DNMT1-related disorder. Also called: DNMT1-related condition. Identifiers: MedGen CN381527.
Inborn genetic diseases. Identifiers: MedGen C0950123, MeSH D030342.
Hereditary sensory neuropathy-deafness-dementia syndrome. Also called: HSN IE; Hereditary sensory neuropathy type IE; NEUROPATHY, HEREDITARY SENSORY, WITH HEARING LOSS AND DEMENTIA; Hereditary Sensory and Autonomic Neuropathy Type 1E (HSAN1E). Identifiers: Orphanet 456318, MedGen C3279885, MONDO:0013584, OMIM 614116.

Allele frequency attached by ClinVar (database versions not stated): gnomAD exomes 0.00006; ExAC 0.00007; TOPMed 0.00007; gnomAD 0.00009 and 0.00010; ESP Exome Variant Server 0.00015.
gnomAD v4.1: 357 of 1,613,956 alleles (0.022%); highest among the groups gnomAD compares: Non-Finnish European, 0.029%; 1 homozygote.

Submissions (7):

Mayo Clinic Laboratories, Mayo Clinic
Classification: Likely benign. Last evaluated: 2025-10-31. Review status: criteria provided, single submitter. Criteria: ACMG Guidelines, 2015. Collection method: clinical testing. Allele origin: germline. Observed: 1 variant allele.
Comment: BS2, BP4

CeGaT Center for Human Genetics Tuebingen
Classification: Likely benign. Last evaluated: 2025-10-01. Review status: criteria provided, single submitter. Criteria: CeGaT Center For Human Genetics Tuebingen Variant Classification Criteria Version 2. Collection method: clinical testing. Allele origin: germline. Affected: yes. Observed: 1 variant allele.
Comment: DNMT1: BP4, BS2

Labcorp Genetics (formerly Invitae), Labcorp
Classification: Uncertain significance for Hereditary sensory neuropathy-deafness-dementia syndrome. Last evaluated: 2025-08-04. Review status: criteria provided, single submitter. Criteria: Invitae Variant Classification Sherloc (09022015). Collection method: clinical testing. Allele origin: germline.
Comment: This sequence change replaces valine, which is neutral and non-polar, with leucine, which is neutral and non-polar, at codon 910 of the DNMT1 protein (p.Val910Leu). This variant is present in population databases (rs150863675, gnomAD 0.01%), and has an allele count higher than expected for a pathogenic variant. This variant has not been reported in the literature in individuals affected with DNMT1-related conditions. ClinVar contains an entry for this variant (Variation ID: 285796). Invitae Evidence Modeling of protein sequence and biophysical properties (such as structural, functional, and spatial information, amino acid conservation, physicochemical variation, residue mobility, and thermodynamic stability) indicates that this missense variant is not expected to disrupt DNMT1 protein function with a negative predictive value of 80%. In summary, the available evidence is currently insufficient to determine the role of this variant in disease. Therefore, it has been classified as a Variant of Uncertain Significance.

PreventionGenetics, part of Exact Sciences
Classification: Uncertain significance for DNMT1-related condition. Last evaluated: 2025-05-08. Review status: criteria provided, single submitter. Criteria: ACMG Guidelines, 2015. Collection method: clinical testing. Allele origin: germline.
Comment: The DNMT1 c.2728G>T variant is predicted to result in the amino acid substitution p.Val910Leu. To our knowledge, this variant has not been reported in the literature. This variant is reported in 0.013% of alleles in individuals of European (non-Finnish) descent in gnomAD. At this time, the clinical significance of this variant is uncertain due to the absence of conclusive functional and genetic evidence.

Blueprint Genetics
Classification: Likely benign. Last evaluated: 2024-02-15. Review status: criteria provided, single submitter. Criteria: ACMG Guidelines, 2015. Collection method: clinical testing. Allele origin: germline.

Ambry Genetics
Classification: Likely benign for Inborn genetic diseases. Last evaluated: 2019-09-03. Review status: criteria provided, single submitter. Criteria: Ambry Variant Classification Scheme 2023. Collection method: clinical testing. Allele origin: germline.

Eurofins Ntd Llc (ga)
Classification: Uncertain significance. Last evaluated: 2016-02-04. Review status: criteria provided, single submitter. Criteria: EGL Classification Definitions 2015. Collection method: clinical testing. Allele origin: germline. Observed: 1 variant allele, 1 heterozygote.

NM_001130823.3(DNMT1):c.2728G>T (p.Val910Leu)

Gene: DNMT1 (DNA methyltransferase 1; minus strand). Cytogenetic location: 19p13.2.
Variant type: single nucleotide variant.
Coding change: c.2728G>T on transcript NM_001130823.3 (MANE Select); coding-DNA position 2728, G replaced by T.
Protein change: p.Val910Leu; replaces valine 910 with leucine.
Molecular consequence: missense variant.
Genome position (GRCh38, 1-based): chr19:10,146,517, C>A on the plus strand (G>T on the coding strand, the complement: DNMT1 is on the minus strand). VCF-style: chr19-10146517-C-A. GRCh37 (hg19) VCF-style: chr19-10257193-C-A.
Other names: p.Val910Leu; c.2680G>T, p.Val894Leu (NM_001318730.2, NM_001379.4); c.2365G>T, p.Val789Leu (NM_001318731.2); c.2728G>T (LRG_362t1, NM_001130823.2); short protein forms V910L, V789L, V894L.
Identifiers: ClinVar variation 285796 (VCV000285796.26), dbSNP rs150863675, ClinGen allele CA9187945.